The following is an entry in ClinVar:

NC_000010.11:g.68422603CT[1]

Gene: DNA2 (DNA replication helicase/nuclease 2; minus strand). Cytogenetic location: 10q21.3.
Variant type: Microsatellite.
Genome position: GRCh38 VCF-style: chr10-68422602-GCT-G. GRCh37 (hg19) VCF-style: chr10-70182359-GCT-G.
Identifiers: ClinVar variation 2861333 (VCV002861333.3), dbSNP rs1564877506, ClinGen allele CA593852908.

ClinVar aggregate classification (germline): Uncertain significance (1 of 4 stars; one submission).

Submission:

Labcorp Genetics (formerly Invitae), Labcorp
Classification: Uncertain significance. Last evaluated: 2023-05-15. Review status: criteria provided, single submitter. Criteria: Invitae Variant Classification Sherloc (09022015). Collection method: clinical testing. Allele origin: germline.
Comment: This sequence change creates a premature translational stop signal (p.Arg801Serfs*6) in the DNA2 gene. It is expected to result in an absent or disrupted protein product. However, the current clinical and genetic evidence is not sufficient to establish whether loss-of-function variants in DNA2 cause disease. This variant is present in population databases (no rsID available, gnomAD 0.0009%). This variant has not been reported in the literature in individuals affected with DNA2-related conditions. Algorithms developed to predict the effect of sequence changes on RNA splicing suggest that this variant may disrupt the consensus splice site. In summary, the available evidence is currently insufficient to determine the role of this variant in disease. Therefore, it has been classified as a Variant of Uncertain Significance.